The following is an entry in ClinVar:

ClinVar aggregate classification (germline): Conflicting classifications of pathogenicity. Review status: criteria provided, conflicting classifications (1 of 4 stars). 11 submissions from 11 submitters: Uncertain significance (1); Benign (4); Likely benign (3). 3 of the submissions do not count toward it. Last evaluated 2026-06-01.

Conditions:
Alport syndrome. Also called: Hemorrhagic familial nephritis; Hemorrhagic hereditary nephritis; Congenital hereditary hematuria. Identifiers: Orphanet 63, MedGen C1567741, MONDO:0018965.

Allele frequency attached by ClinVar (database versions not stated): 1000 Genomes Project 30x 0.00047; 1000 Genomes Project 0.00060; TOPMed 0.00256; gnomAD 0.00310 and 0.00344; gnomAD exomes 0.00322 and 0.00403; ESP Exome Variant Server 0.00343; ExAC 0.00355.
gnomAD v4.1: 6,292 of 1,614,020 alleles (0.39%); highest among the groups gnomAD compares: Non-Finnish European, 0.47%; 22 homozygotes.

Submissions (11):

CeGaT Center for Human Genetics Tuebingen
Classification: Likely benign. Last evaluated: 2026-06-01. Review status: criteria provided, single submitter. Criteria: CeGaT Center For Human Genetics Tuebingen Variant Classification Criteria Version 2. Collection method: clinical testing. Allele origin: germline. Affected: yes. Observed: 6 variant alleles.
Comment: COL4A3: BP4, BS2

Labcorp Genetics (formerly Invitae), Labcorp
Classification: Benign. Last evaluated: 2026-01-31. Review status: criteria provided, single submitter. Criteria: Invitae Variant Classification Sherloc (09022015). Collection method: clinical testing. Allele origin: germline.

Blueprint Genetics
Classification: Likely benign. Last evaluated: 2024-11-21. Review status: criteria provided, single submitter. Criteria: ACMG Guidelines, 2015. Collection method: clinical testing. Allele origin: germline.

ARUP Laboratories, Molecular Genetics and Genomics, ARUP Laboratories
Classification: Benign. Last evaluated: 2023-10-09. Review status: criteria provided, single submitter. Criteria: ARUP Molecular Germline Variant Investigation Process 2024. Collection method: clinical testing. Allele origin: germline.

GeneDx
Classification: Benign. Last evaluated: 2019-03-19. Review status: criteria provided, single submitter. Criteria: GeneDx Variant Classification Process June 2021. Collection method: clinical testing. Allele origin: germline. Affected: yes.

Illumina Laboratory Services, Illumina
Classification: Uncertain significance for Alport syndrome. Last evaluated: 2018-01-13. Review status: criteria provided, single submitter. Criteria: ICSL Variant Classification Criteria 13 December 2019. Collection method: clinical testing. Allele origin: germline.

Athena Diagnostics
Classification: Benign. Last evaluated: 2017-09-28. Review status: criteria provided, single submitter. Criteria: Athena Diagnostics Criteria. Collection method: clinical testing. Allele origin: germline.

PreventionGenetics, part of Exact Sciences
Classification: Likely benign. Review status: criteria provided, single submitter. Criteria: ACMG Guidelines, 2015. Collection method: clinical testing. Allele origin: germline.

Natera, Inc.
Classification: Benign for Alport syndrome. Last evaluated: 2020-01-02. Review status: no assertion criteria provided. Collection method: clinical testing. Allele origin: germline. Not counted in ClinVar's aggregate classification.

Clinical Genetics DNA and cytogenetics Diagnostics Lab, Erasmus MC, Erasmus Medical Center
Classification: Likely benign. Review status: no assertion criteria provided. Collection method: clinical testing. Allele origin: germline. Affected: yes. Study: VKGL Data-share Consensus. Not counted in ClinVar's aggregate classification.

Joint Genome Diagnostic Labs from Nijmegen and Maastricht, Radboudumc and MUMC+
Classification: Likely benign. Review status: no assertion criteria provided. Collection method: clinical testing. Allele origin: germline. Affected: yes. Study: VKGL Data-share Consensus. Not counted in ClinVar's aggregate classification.

NM_000091.5(COL4A3):c.4893C>T (p.Phe1631=)

Genes: COL4A3 (collagen type IV alpha 3 chain; plus strand), MFF-DT (MFF divergent transcript; minus strand). Cytogenetic location: 2q36.3.
Variant type: single nucleotide variant.
Coding change: c.4893C>T on transcript NM_000091.5 (MANE Select); coding-DNA position 4893, C replaced by T.
Protein change: p.Phe1631=; no amino-acid change (phenylalanine 1631 retained).
Molecular consequence: synonymous variant.
Genome position (GRCh38, 1-based): chr2:227,310,913, C>T. VCF-style: chr2-227310913-C-T. GRCh37 (hg19) VCF-style: chr2-228175629-C-T.
Identifiers: ClinVar variation 255002 (VCV000255002.45), dbSNP rs183218622, ClinGen allele CA2147672.